The following is an entry in ClinVar:

NM_003072.5(SMARCA4):c.4753G>A (p.Gly1585Ser)

Gene: SMARCA4 (SWI/SNF related BAF chromatin remodeling complex subunit ATPase 4; plus strand). Cytogenetic location: 19p13.2.
Variant type: single nucleotide variant.
Coding change: c.4753G>A on transcript NM_003072.5 (MANE Select); coding-DNA position 4753, G replaced by A.
Protein change: p.Gly1585Ser; replaces glycine 1585 with serine.
Molecular consequence: missense variant. On other transcripts: non-coding transcript variant (1).
Genome position (GRCh38, 1-based): chr19:11,059,870, G>A. VCF-style: chr19-11059870-G-A. GRCh37 (hg19) VCF-style: chr19-11170546-G-A.
Other names: c.4753G>A, p.Gly1585Ser (NM_001128844.3); c.4663G>A, p.Gly1555Ser (NM_001128845.2); c.4660G>A, p.Gly1554Ser (NM_001128846.2); c.4654G>A, p.Gly1552Ser (NM_001128847.4, NM_001374457.1); c.4651G>A, p.Gly1551Ser (NM_001128848.2); c.4849G>A, p.Gly1617Ser (NM_001128849.3); short protein forms G1551S, G1552S, G1555S, G1617S, G1554S, G1585S.
Identifiers: ClinVar variation 855297 (VCV000855297.10), dbSNP rs2076756606, ClinGen allele CA404079827.

ClinVar aggregate classification (germline): Uncertain significance. Review status: criteria provided, multiple submitters, no conflicts (2 of 4 stars). 2 submissions from 2 submitters: Uncertain significance (2). Last evaluated 2025-04-19.

Conditions:
Hereditary cancer-predisposing syndrome. Also called: Neoplastic Syndromes, Hereditary; Hereditary Cancer Syndrome; Tumor predisposition; Hereditary neoplastic syndrome. Identifiers: Orphanet 140162, MedGen C0027672, MeSH D009386, MONDO:0015356.
Rhabdoid tumor predisposition syndrome 2 (RTPS2). Identifiers: Orphanet 231108, Orphanet 69077, MedGen C2750074, MONDO:0013224, OMIM 613325.

Submissions (2):

Ambry Genetics
Classification: Uncertain significance for Hereditary cancer-predisposing syndrome. Last evaluated: 2025-04-19. Review status: criteria provided, single submitter. Criteria: Ambry Variant Classification Scheme 2023. Collection method: clinical testing. Allele origin: germline.
Comment: The p.G1617S variant (also known as c.4849G>A), located in coding exon 33 of the SMARCA4 gene, results from a G to A substitution at nucleotide position 4849. The glycine at codon 1617 is replaced by serine, an amino acid with similar properties. This amino acid position is conserved. In addition, the in silico prediction for this alteration is inconclusive. Based on the available evidence, the clinical significance of this variant remains unclear.

Labcorp Genetics (formerly Invitae), Labcorp
Classification: Uncertain significance for Rhabdoid tumor predisposition syndrome 2. Last evaluated: 2023-03-27. Review status: criteria provided, single submitter. Criteria: Invitae Variant Classification Sherloc (09022015). Collection method: clinical testing. Allele origin: germline.
Comment: In summary, the available evidence is currently insufficient to determine the role of this variant in disease. Therefore, it has been classified as a Variant of Uncertain Significance. Advanced modeling of protein sequence and biophysical properties (such as structural, functional, and spatial information, amino acid conservation, physicochemical variation, residue mobility, and thermodynamic stability) has been performed at Invitae for this missense variant, however the output from this modeling did not meet the statistical confidence thresholds required to predict the impact of this variant on SMARCA4 protein function. ClinVar contains an entry for this variant (Variation ID: 855297). This variant has not been reported in the literature in individuals affected with SMARCA4-related conditions. This variant is not present in population databases (gnomAD no frequency). This sequence change replaces glycine, which is neutral and non-polar, with serine, which is neutral and polar, at codon 1617 of the SMARCA4 protein (p.Gly1617Ser).